The following is an entry in ClinVar:

ClinVar aggregate classification (germline): Likely benign (1 of 4 stars; one submission).

Allele frequency attached by ClinVar (database versions not stated): ESP Exome Variant Server 0.00193; gnomAD 0.00311; ExAC 0.00395; 1000 Genomes Project 30x 0.00437; 1000 Genomes Project 0.00439.
gnomAD v4.1: 4,884 of 1,588,630 alleles (0.31%); highest among the groups gnomAD compares: Middle Eastern, 0.58%; 22 homozygotes.

Submission:

CeGaT Center for Human Genetics Tuebingen
Classification: Likely benign. Last evaluated: 2022-06-01. Review status: criteria provided, single submitter. Criteria: CeGaT Center For Human Genetics Tuebingen Variant Classification Criteria Version 2. Collection method: clinical testing. Allele origin: germline. Affected: yes. Observed: 1 variant allele.
Comment: ARHGAP33: BP4, BP7

NM_001366178.1(ARHGAP33):c.3156G>A (p.Leu1052=)

Gene: ARHGAP33 (Rho GTPase activating protein 33; plus strand). Cytogenetic location: 19q13.12.
Variant type: single nucleotide variant.
Coding change: c.3156G>A on transcript NM_001366178.1 (MANE Select); coding-DNA position 3156, G replaced by A.
Protein change: p.Leu1052=; no amino-acid change (leucine 1052 retained).
Molecular consequence: synonymous variant.
Genome position (GRCh38, 1-based): chr19:35,787,721, G>A. VCF-style: chr19-35787721-G-A. GRCh37 (hg19) VCF-style: chr19-36278623-G-A.
Other names: c.2664G>A, p.Leu888= (NM_001172630.2); c.2673G>A, p.Leu891= (NM_052948.4).
Identifiers: ClinVar variation 2649759 (VCV002649759.24), dbSNP rs140219685, ClinGen allele CA9388917.